The following is an entry in ClinVar:

ClinVar aggregate classification (germline): Benign/Likely benign. Review status: criteria provided, multiple submitters, no conflicts (2 of 4 stars). 6 submissions from 6 submitters: Benign (3); Likely benign (3). Last evaluated 2026-02-04.

Conditions:
Autosomal recessive spinocerebellar ataxia 10. Identifiers: Orphanet 284289, MedGen C3150998, MONDO:0013392, OMIM 613728.

Allele frequency attached by ClinVar (database versions not stated): gnomAD exomes 0.00122 and 0.00356; ExAC 0.00450; gnomAD 0.01331 and 0.01413; ESP Exome Variant Server 0.01445; TOPMed 0.01489; 1000 Genomes Project 0.01977; 1000 Genomes Project 30x 0.02030.
gnomAD v4.1: 3,870 of 1,613,794 alleles (0.24%); highest among the groups gnomAD compares: African/African-American, 4.5%; 88 homozygotes.

Submissions (6):

Labcorp Genetics (formerly Invitae), Labcorp
Classification: Benign. Last evaluated: 2026-02-04. Review status: criteria provided, single submitter. Criteria: Invitae Variant Classification Sherloc (09022015). Collection method: clinical testing. Allele origin: germline.

Athena Diagnostics
Classification: Benign. Last evaluated: 2024-02-01. Review status: criteria provided, single submitter. Criteria: Athena Diagnostics Criteria. Collection method: clinical testing. Allele origin: unknown.

GeneDx
Classification: Likely benign. Last evaluated: 2023-11-17. Review status: criteria provided, single submitter. Criteria: GeneDx Variant Classification Process June 2021. Collection method: clinical testing. Allele origin: germline. Affected: yes.
Comment: See Variant Classification Assertion Criteria.

Mayo Clinic Laboratories, Mayo Clinic
Classification: Benign. Last evaluated: 2023-11-07. Review status: criteria provided, single submitter. Criteria: ACMG Guidelines, 2015. Collection method: clinical testing. Allele origin: germline. Observed: 3 variant alleles.
Comment: BA1, BS2, BP4

Illumina Laboratory Services, Illumina
Classification: Likely benign for Autosomal recessive spinocerebellar ataxia 10. Last evaluated: 2017-04-28. Review status: criteria provided, single submitter. Criteria: ICSL Variant Classification Criteria 13 December 2019. Collection method: clinical testing. Allele origin: germline.
Comment: This variant was observed as part of a predisposition screen in an ostensibly healthy population. A literature search was performed for the gene, cDNA change, and amino acid change (where applicable). No publications were found based on this search. Allele frequency data from public databases allowed determination this variant is unlikely to cause disease. Therefore, this variant is classified as likely benign.

Breakthrough Genomics
Classification: Likely benign. Review status: criteria provided, single submitter. Criteria: ACMG Guidelines, 2015. Collection method: not provided. Allele origin: germline. Inheritance: Autosomal recessive inheritance. Affected: yes.

NM_018075.5(ANO10):c.74A>C (p.Gln25Pro)

Gene: ANO10 (anoctamin 10; minus strand). Cytogenetic location: 3p21.33.
Variant type: single nucleotide variant.
Coding change: c.74A>C on transcript NM_018075.5 (MANE Select); coding-DNA position 74, A replaced by C.
Protein change: p.Gln25Pro; replaces glutamine 25 with proline.
Molecular consequence: missense variant.
Genome position (GRCh38, 1-based): chr3:43,605,779, T>G on the plus strand (A>C on the coding strand, the complement: ANO10 is on the minus strand). VCF-style: chr3-43605779-T-G. GRCh37 (hg19) VCF-style: chr3-43647271-T-G.
Other names: p.Gln25Pro; c.74A>C, p.Gln25Pro (NM_001204831.3, NM_001204832.3, NM_001204833.3 and 8 more transcripts); short protein forms Q25P.
Identifiers: ClinVar variation 345197 (VCV000345197.18), dbSNP rs112040665, ClinGen allele CA2341152.
Genomic context (GRCh38, chr3:43,605,779, plus strand): 5'-TCTTTTTTTTTAGCTATAATTCTGTTTTTCAGCCATTCTTTGGTTTCTTCTTTGACATCC[T>G]GAGCAAGTTCTATGACCACCAAAGGTGTGAAAGAACTCTCAGAAGTATCCAAAGCTGATA-3'
Protein context (NP_060545.3, residues 15-35): FTPLVVIELA[Gln25Pro]DVKEETKEWL